The following is an entry in ClinVar:

ClinVar aggregate classification (germline): Pathogenic (1 of 4 stars; one submission).

Submission:

Labcorp Genetics (formerly Invitae), Labcorp
Classification: Pathogenic. Last evaluated: 2022-12-30. Review status: criteria provided, single submitter. Criteria: Invitae Variant Classification Sherloc (09022015). Collection method: clinical testing. Allele origin: germline.
Comment: This sequence change replaces glycine, which is neutral and non-polar, with aspartic acid, which is acidic and polar, at codon 468 of the COL2A1 protein (p.Gly468Asp). This variant is not present in population databases (gnomAD no frequency). This missense change has been observed in individuals with autosomal dominant COL2A1-related collagenopathies (PMID: 32553838, 32648279). Advanced modeling of protein sequence and biophysical properties (such as structural, functional, and spatial information, amino acid conservation, physicochemical variation, residue mobility, and thermodynamic stability) performed at Invitae indicates that this missense variant is expected to disrupt COL2A1 protein function. This variant disrupts the triple helix domain of COL2A1. Glycine residues within the Gly-Xaa-Yaa repeats of the triple helix domain are required for the structure and stability of fibrillar collagens (PMID: 7695699, 8218237, 19344236). In COL2A1, variants affecting these glycine residues are significantly enriched in individuals with disease (PMID: 9016532, 17078022) compared to the general population (ExAC). For these reasons, this variant has been classified as Pathogenic.

Literature cited by the submitters: PubMed 32553838; PubMed 32648279; PubMed 7695699; PubMed 8218237; PubMed 19344236; PubMed 9016532; PubMed 17078022.

NM_001844.5(COL2A1):c.1403G>A (p.Gly468Asp)

Gene: COL2A1 (collagen type II alpha 1 chain; minus strand). Cytogenetic location: 12q13.11.
Variant type: single nucleotide variant.
Coding change: c.1403G>A on transcript NM_001844.5 (MANE Select); coding-DNA position 1403, G replaced by A.
Protein change: p.Gly468Asp; replaces glycine 468 with aspartic acid.
Molecular consequence: missense variant.
Genome position (GRCh38, 1-based): chr12:47,986,851, C>T on the plus strand (G>A on the coding strand, the complement: COL2A1 is on the minus strand). VCF-style: chr12-47986851-C-T. GRCh37 (hg19) VCF-style: chr12-48380634-C-T.
Other names: c.1196G>A, p.Gly399Asp (NM_033150.3); short protein forms G399D, G468D.
Identifiers: ClinVar variation 2982307 (VCV002982307.3), dbSNP rs2540150838, ClinGen allele CA384553215.